The following is an entry in ClinVar:

ClinVar aggregate classification (germline): Uncertain significance. Review status: criteria provided, multiple submitters, no conflicts (2 of 4 stars). 4 submissions from 4 submitters: Uncertain significance (4). Last evaluated 2023-05-30.

Conditions:
Myopathy, reducing body, X-linked, childhood-onset (RBMX1B). Also called: REDUCING BODY MYOPATHY, X-LINKED 1B, WITH LATE CHILDHOOD OR ADULT ONSET. Identifiers: Orphanet 97239, MedGen C4225159, MONDO:0010415, OMIM 300718.
X-linked myopathy with postural muscle atrophy. Also called: FHL1-Related Emery-Dreifuss Muscular Dystrophy, X-Linked. Identifiers: Orphanet 178461, MedGen C2678055, MONDO:0010401, OMIM 300696.
Uruguay Faciocardiomusculoskeletal syndrome. Identifiers: MedGen C1846010, MONDO:0010292, OMIM 300280.
X-linked scapuloperoneal muscular dystrophy. Also called: SCAPULOPERONEAL MYOPATHY, FHL1-RELATED. Identifiers: Orphanet 431272, MedGen C2678061, MONDO:0010400, OMIM 300695.
Myopathy, reducing body, X-linked, early-onset, severe (RBMX1A). Also called: REDUCING BODY MYOPATHY, X-LINKED 1, SEVERE, WITH INFANTILE OR EARLY CHILDHOOD ONSET. Identifiers: Orphanet 97239, MedGen C4225423, MONDO:0010414, OMIM 300717.
Cardiovascular phenotype. Identifiers: MedGen CN230736.

Submissions (4):

GeneDx
Classification: Uncertain significance. Last evaluated: 2023-05-30. Review status: criteria provided, single submitter. Criteria: GeneDx Variant Classification Process June 2021. Collection method: clinical testing. Allele origin: germline. Affected: yes.
Comment: In silico analysis supports that this missense variant has a deleterious effect on protein structure/function; Not observed at significant frequency in large population cohorts (gnomAD); Has not been previously published as pathogenic or benign to our knowledge

Labcorp Genetics (formerly Invitae), Labcorp
Classification: Uncertain significance for X-linked myopathy with postural muscle atrophy. Last evaluated: 2023-05-30. Review status: criteria provided, single submitter. Criteria: Invitae Variant Classification Sherloc (09022015). Collection method: clinical testing. Allele origin: germline.
Comment: This variant has not been reported in the literature in individuals affected with FHL1-related conditions. In summary, the available evidence is currently insufficient to determine the role of this variant in disease. Therefore, it has been classified as a Variant of Uncertain Significance. An algorithm developed to predict the effect of missense changes on protein structure and function (PolyPhen-2) suggests that this variant is likely to be disruptive. ClinVar contains an entry for this variant (Variation ID: 1423972). This variant is not present in population databases (gnomAD no frequency). This sequence change replaces cysteine, which is neutral and slightly polar, with tyrosine, which is neutral and polar, at codon 10 of the FHL1 protein (p.Cys10Tyr).

Fulgent Genetics
Classification: Uncertain significance for Uruguay Faciocardiomusculoskeletal syndrome; X-linked scapuloperoneal muscular dystrophy; X-linked myopathy with postural muscle atrophy; Myopathy, reducing body, X-linked, early-onset, severe; Myopathy, reducing body, X-linked, childhood-onset. Last evaluated: 2021-10-05. Review status: criteria provided, single submitter. Criteria: ACMG Guidelines, 2015. Collection method: clinical testing. Allele origin: unknown.

Ambry Genetics
Classification: Uncertain significance for Cardiovascular phenotype. Last evaluated: 2020-01-24. Review status: criteria provided, single submitter. Criteria: Ambry Variant Classification Scheme 2023. Collection method: clinical testing. Allele origin: germline.
Comment: The p.C10Y variant (also known as c.29G>A), located in coding exon 1 of the FHL1 gene, results from a G to A substitution at nucleotide position 29. The cysteine at codon 10 is replaced by tyrosine, an amino acid with highly dissimilar properties. This amino acid position is highly conserved in available vertebrate species. In addition, this alteration is predicted to be deleterious by in silico analysis. Since supporting evidence is limited at this time, the clinical significance of this alteration remains unclear.

NM_001159699.2(FHL1):c.77G>A (p.Cys26Tyr)

Gene: FHL1 (four and a half LIM domains 1; plus strand). Cytogenetic location: Xq26.3.
Variant type: single nucleotide variant.
Coding change: c.77G>A on transcript NM_001159699.2 (MANE Select); coding-DNA position 77, G replaced by A.
Protein change: p.Cys26Tyr; replaces cysteine 26 with tyrosine.
Molecular consequence: missense variant. On other transcripts: non-coding transcript variant (1).
Genome position (GRCh38, 1-based): chrX:136,206,461, G>A. VCF-style: chrX-136206461-G-A. GRCh37 (hg19) VCF-style: chrX-135288620-G-A.
Other names: c.29G>A, p.Cys10Tyr (NM_001159700.2, NM_001159702.3, NM_001159703.2 and 9 more transcripts); c.116G>A, p.Cys39Tyr (NM_001159701.2); c.77G>A, p.Cys26Tyr (NM_001330659.2); short protein forms C26Y, C39Y, C10Y.
Identifiers: ClinVar variation 1423972 (VCV001423972.9), dbSNP rs2148371537, ClinGen allele CA414607428.